The following is an entry in ClinVar:

ClinVar aggregate classification (germline): Benign. Review status: criteria provided, multiple submitters, no conflicts (2 of 4 stars). 5 submissions from 4 submitters: Benign (5). Last evaluated 2018-07-09.

Conditions:
Wolfram syndrome 1 (WFS1). Identifiers: Orphanet 3463, MedGen C4551693, MONDO:0009101, OMIM 222300.
WFS1-Related Spectrum Disorders.
Autosomal dominant nonsyndromic hearing loss 6 (LFSNHL). Also called: DEAFNESS, AUTOSOMAL DOMINANT 6; DEAFNESS, AUTOSOMAL DOMINANT 14; DEAFNESS, AUTOSOMAL DOMINANT 38; Autosomal dominant nonsyndromic deafness 6; DIDMOAD (Diabetes Insipidus, Diabetes Mellitus, Optic Atrophy, and Deafness). Identifiers: Orphanet 90635, MedGen C1833021, MONDO:0010963, OMIM 600965.

Allele frequency attached by ClinVar (database versions not stated): gnomAD 0.04906 and 0.05284; 1000 Genomes Project 0.04972; TOPMed 0.05569; 1000 Genomes Project 30x 0.05215.

Submissions (5):

GeneDx
Classification: Benign. Last evaluated: 2018-07-09. Review status: criteria provided, single submitter. Criteria: GeneDx Variant Classification Process June 2021. Collection method: clinical testing. Allele origin: germline. Affected: yes.

Illumina Laboratory Services, Illumina
Classification: Benign for WFS1-Related Spectrum Disorders. Last evaluated: 2018-01-13. Review status: criteria provided, single submitter. Criteria: ICSL Variant Classification Criteria 13 December 2019. Collection method: clinical testing. Allele origin: germline.
Comment: This variant was observed in the ICSL laboratory as part of a predisposition screen in an ostensibly healthy population. It had not been previously curated by ICSL or reported in the Human Gene Mutation Database (HGMD: prior to June 1st, 2018), and was therefore a candidate for classification through an automated scoring system. Utilizing variant allele frequency, disease prevalence and penetrance estimates, and inheritance mode, an automated score was calculated to assess if this variant is too frequent to cause the disease. Based on the score and internal cut-off values, a variant classified as benign is not then subjected to further curation. The score for this variant resulted in a classification of benign for this disease.

Illumina Laboratory Services, Illumina
Classification: Benign for Autosomal dominant nonsyndromic hearing loss 6. Last evaluated: 2018-01-13. Review status: criteria provided, single submitter. Criteria: ICSL Variant Classification Criteria 13 December 2019. Collection method: clinical testing. Allele origin: germline.
Comment: the same text as in the submission from Illumina Laboratory Services, Illumina above.

Breakthrough Genomics
Classification: Benign. Review status: criteria provided, single submitter. Criteria: ACMG Guidelines, 2015. Collection method: not provided. Allele origin: germline. Inheritance: Autosomal recessive inheritance. Affected: yes.

Clinical Genomics, Uppaluri K&H Personalized Medicine Clinic
Classification: Benign for Wolfram syndrome 1. Review status: criteria provided, single submitter. Criteria: K & H Uppaluri Personalized Medicine Clinic Variant Classification & Assertion Criteria_Updated V.1. Collection method: research. Allele origin: unknown. Inheritance: Autosomal recessive inheritance.
Comment: Potent mutations in WFS1 gene are associated with Wolfram's syndrome, an autosomal recessive condition, which cause diabetes mellitus, diabetes insipidus, deafness and optic atrophy.However no sufficient evidence is found to ascertain the role of this particular variant rs60985011 in Wolfram's syndrome yet.

Literature cited by the submitters: PubMed 20738327 (cited by Clinical Genomics, Uppaluri K&H Personalized Medicine Clinic); PubMed 33879153 (cited by Clinical Genomics, Uppaluri K&H Personalized Medicine Clinic); PubMed 12955714 (cited by Clinical Genomics, Uppaluri K&H Personalized Medicine Clinic); PubMed 18060660 (cited by Clinical Genomics, Uppaluri K&H Personalized Medicine Clinic); PubMed 20301750 (cited by Clinical Genomics, Uppaluri K&H Personalized Medicine Clinic); PubMed 17603484 (cited by Clinical Genomics, Uppaluri K&H Personalized Medicine Clinic).

NM_006005.3(WFS1):c.*241T>C

Gene: WFS1 (wolframin ER transmembrane glycoprotein; plus strand). Cytogenetic location: 4p16.1.
Variant type: single nucleotide variant.
Coding change: c.*241T>C on transcript NM_006005.3 (MANE Select); 241 bases downstream of the stop codon, T replaced by C.
Molecular consequence: 3 prime UTR variant.
Genome position (GRCh38, 1-based): chr4:6,302,709, T>C. VCF-style: chr4-6302709-T-C. GRCh37 (hg19) VCF-style: chr4-6304436-T-C.
Other names: c.*241T>C (NM_001145853.1).
Identifiers: ClinVar variation 349338 (VCV000349338.8), dbSNP rs60985011, ClinGen allele CA10619018.